The following is an entry in ClinVar:

ClinVar aggregate classification (germline): Likely pathogenic (1 of 4 stars; one submission).

Conditions:
Dilated cardiomyopathy 1G (CMD1G). Identifiers: Orphanet 154, MedGen C1858763, MONDO:0011400, OMIM 604145.
Autosomal recessive limb-girdle muscular dystrophy type 2J (LGMDR10). Also called: MUSCULAR DYSTROPHY, LIMB-GIRDLE, AUTOSOMAL RECESSIVE 10; Limb-girdle muscular dystrophy, type 2J. Identifiers: Orphanet 140922, MedGen C1837342, MONDO:0012127, OMIM 608807.

Submission:

Labcorp Genetics (formerly Invitae), Labcorp
Classification: Likely pathogenic for Dilated cardiomyopathy 1G; Autosomal recessive limb-girdle muscular dystrophy type 2J. Last evaluated: 2024-02-29. Review status: criteria provided, single submitter. Criteria: Invitae Variant Classification Sherloc (09022015). Collection method: clinical testing. Allele origin: germline.
Comment: This sequence change creates a premature translational stop signal (p.Pro22358Valfs*13) in the TTN gene. While this is not anticipated to result in nonsense mediated decay, it is expected to create a truncated TTN protein. This variant is not present in population databases (gnomAD no frequency). This premature translational stop signal has been observed in individual(s) with clinical features of TTN-related conditions (Invitae). ClinVar contains an entry for this variant (Variation ID: 945551). This variant is located in the A band of TTN (PMID: 25589632). Truncating variants in this region are significantly overrepresented in patients affected with dilated cardiomyopathy (PMID: 25589632). Truncating variants in this region have also been reported in individuals affected with autosomal recessive centronuclear myopathy (PMID: 23975875). In summary, the currently available evidence indicates that the variant is pathogenic, but additional data are needed to prove that conclusively. Therefore, this variant has been classified as Likely Pathogenic.

Literature cited by the submitters: PubMed 25589632; PubMed 23975875.

NM_001267550.2(TTN):c.67070_67071insTGTGACTGTATCCAGATAC (p.Pro22358fs)

Genes: TTN (titin; minus strand), TTN-AS1 (TTN antisense RNA 1; plus strand). Cytogenetic location: 2q31.2.
Variant type: Insertion.
Coding change: c.67070_67071insTGTGACTGTATCCAGATAC on transcript NM_001267550.2 (MANE Select); coding-DNA positions 67070 to 67071, TGTGACTGTATCCAGATAC inserted.
Protein change: p.Pro22358fs; shifts the reading frame from proline 22358.
Molecular consequence: frameshift variant.
Genome position: GRCh38 VCF-style: chr2-178580216-T-TGTATCTGGATACAGTCACA. GRCh37 (hg19) VCF-style: chr2-179444943-T-TGTATCTGGATACAGTCACA.
Other names: c.62147_62148insTGTGACTGTATCCAGATAC, p.Pro20717fs (NM_001256850.1); c.39875_39876insTGTGACTGTATCCAGATAC, p.Pro13293fs (NM_003319.4); c.59366_59367insTGTGACTGTATCCAGATAC, p.Pro19790fs (NM_133378.4); c.40250_40251insTGTGACTGTATCCAGATAC, p.Pro13418fs (NM_133432.3); c.40451_40452insTGTGACTGTATCCAGATAC, p.Pro13485fs (NM_133437.4); short protein forms P13293fs, P13485fs, P13418fs, P19790fs, P22358fs, P20717fs.
Identifiers: ClinVar variation 945551 (VCV000945551.10), dbSNP rs2047381754, ClinGen allele CA1139657443.